The following is an entry in ClinVar:

NM_004655.4(AXIN2):c.263A>G (p.Asp88Gly)

Gene: AXIN2 (axin 2; minus strand). Cytogenetic location: 17q24.1.
Variant type: single nucleotide variant.
Coding change: c.263A>G on transcript NM_004655.4 (MANE Select); coding-DNA position 263, A replaced by G.
Protein change: p.Asp88Gly; replaces aspartic acid 88 with glycine.
Molecular consequence: missense variant.
Genome position (GRCh38, 1-based): chr17:65,558,358, T>C on the plus strand (A>G on the coding strand, the complement: AXIN2 is on the minus strand). VCF-style: chr17-65558358-T-C. GRCh37 (hg19) VCF-style: chr17-63554476-T-C.
Other names: c.263A>G, p.Asp88Gly (NM_001363813.1); short protein forms D88G.
Identifiers: ClinVar variation 860105 (VCV000860105.8), dbSNP rs1186148018, ClinGen allele CA400681786.
Genomic context (GRCh38, chr17:65,558,358, plus strand): 5'-AAGGTATCCACGCATTTCTCCCTCTCCAGGAAAGTTCGGAACAGGTAAGCACCGTCTTGA[T>C]CGCCCAATAAGGAGTGTAAGGACTTGGTCCACCGGGTCAGAGGGGAATCCGGAGATGCCC-3'
Protein context (NP_004646.3, residues 78-98): WTKSLHSLLG[Asp88Gly]QDGAYLFRTF

ClinVar aggregate classification (germline): Uncertain significance. Review status: criteria provided, multiple submitters, no conflicts (2 of 4 stars). 2 submissions from 2 submitters: Uncertain significance (2). Last evaluated 2025-04-06.

Conditions:
Oligodontia-cancer predisposition syndrome. Also called: TOOTH AGENESIS-COLORECTAL CANCER SYNDROME. Identifiers: Orphanet 300576, MedGen C1837750, MONDO:0012075, OMIM 608615. Disease mechanism: loss of function.
Hereditary cancer-predisposing syndrome. Also called: Tumor predisposition; Hereditary neoplastic syndrome; Neoplastic Syndromes, Hereditary; Hereditary Cancer Syndrome. Identifiers: Orphanet 140162, MedGen C0027672, MeSH D009386, MONDO:0015356.

Allele frequency attached by ClinVar (database versions not stated): gnomAD exomes below 0.00001.
gnomAD v4.1: 6 of 1,614,072 alleles (0.00037%); highest among the groups gnomAD compares: Non-Finnish European, 0.00051%; no homozygotes.

Submissions (2):

Ambry Genetics
Classification: Uncertain significance for Hereditary cancer-predisposing syndrome. Last evaluated: 2025-04-06. Review status: criteria provided, single submitter. Criteria: Ambry Variant Classification Scheme 2023. Collection method: clinical testing. Allele origin: germline.
Comment: The p.D88G variant (also known as c.263A>G), located in coding exon 1 of the AXIN2 gene, results from an A to G substitution at nucleotide position 263. The aspartic acid at codon 88 is replaced by glycine, an amino acid with similar properties. This amino acid position is conserved. In addition, this alteration is predicted to be deleterious by in silico analysis. Based on the available evidence, the clinical significance of this variant remains unclear.

Labcorp Genetics (formerly Invitae), Labcorp
Classification: Uncertain significance for Oligodontia-cancer predisposition syndrome. Last evaluated: 2024-09-29. Review status: criteria provided, single submitter. Criteria: Invitae Variant Classification Sherloc (09022015). Collection method: clinical testing. Allele origin: germline.
Comment: This sequence change replaces aspartic acid, which is acidic and polar, with glycine, which is neutral and non-polar, at codon 88 of the AXIN2 protein (p.Asp88Gly). This variant is present in population databases (no rsID available, gnomAD 0.0009%). This variant has not been reported in the literature in individuals affected with AXIN2-related conditions. ClinVar contains an entry for this variant (Variation ID: 860105). Invitae Evidence Modeling of protein sequence and biophysical properties (such as structural, functional, and spatial information, amino acid conservation, physicochemical variation, residue mobility, and thermodynamic stability) indicates that this missense variant is expected to disrupt AXIN2 protein function with a positive predictive value of 80%. In summary, the available evidence is currently insufficient to determine the role of this variant in disease. Therefore, it has been classified as a Variant of Uncertain Significance.